The following is an entry in ClinVar:

NM_031844.3(HNRNPU):c.1106G>C (p.Gly369Ala)

Gene: HNRNPU (heterogeneous nuclear ribonucleoprotein U; minus strand). Cytogenetic location: 1q44.
Variant type: single nucleotide variant.
Coding change: c.1106G>C on transcript NM_031844.3 (MANE Select); coding-DNA position 1106, G replaced by C.
Protein change: p.Gly369Ala; replaces glycine 369 with alanine.
Molecular consequence: missense variant.
Genome position (GRCh38, 1-based): chr1:244,859,286, C>G on the plus strand (G>C on the coding strand, the complement: HNRNPU is on the minus strand). VCF-style: chr1-244859286-C-G. GRCh37 (hg19) VCF-style: chr1-245022588-C-G.
Other names: c.1049G>C, p.Gly350Ala (NM_004501.3); short protein forms G350A, G369A.
Identifiers: ClinVar variation 952586 (VCV000952586.10), dbSNP rs1475265666, ClinGen allele CA345493004.

ClinVar aggregate classification (germline): Uncertain significance (1 of 4 stars; one submission).

Conditions:
Developmental and epileptic encephalopathy, 54. Also called: HNRNPU-Related Neurodevelopmental Disorder; Epileptic encephalopathy, early infantile, 54. Identifiers: MedGen C4479319, MONDO:0033363, OMIM 617391.

Allele frequency attached by ClinVar (database versions not stated): gnomAD exomes below 0.00001; TOPMed below 0.00001.
gnomAD v4.1: 1 of 1,552,790 alleles (0.000064%); highest among the groups gnomAD compares: Admixed American, 0.0017%; no homozygotes.

Submission:

Labcorp Genetics (formerly Invitae), Labcorp
Classification: Uncertain significance for Developmental and epileptic encephalopathy, 54. Last evaluated: 2025-09-02. Review status: criteria provided, single submitter. Criteria: Invitae Variant Classification Sherloc (09022015). Collection method: clinical testing. Allele origin: germline.
Comment: This sequence change replaces glycine, which is neutral and non-polar, with alanine, which is neutral and non-polar, at codon 369 of the HNRNPU protein (p.Gly369Ala). This variant is present in population databases (no rsID available, gnomAD 0.003%). This variant has not been reported in the literature in individuals affected with HNRNPU-related conditions. ClinVar contains an entry for this variant (Variation ID: 952586). Invitae Evidence Modeling of protein sequence and biophysical properties (such as structural, functional, and spatial information, amino acid conservation, physicochemical variation, residue mobility, and thermodynamic stability) indicates that this missense variant is not expected to disrupt HNRNPU protein function with a negative predictive value of 95%. Algorithms developed to predict the effect of sequence changes on RNA splicing suggest that this variant may disrupt the consensus splice site. In summary, the available evidence is currently insufficient to determine the role of this variant in disease. Therefore, it has been classified as a Variant of Uncertain Significance.